The following is an entry in ClinVar:

ClinVar aggregate classification (germline): Conflicting classifications of pathogenicity. Review status: criteria provided, conflicting classifications (1 of 4 stars). 4 submissions from 4 submitters: Uncertain significance (2); Likely benign (2). Last evaluated 2025-12-01.

Conditions:
Developmental and epileptic encephalopathy, 42 (DEE42A). Also called: Epileptic encephalopathy, early infantile, 42; DEVELOPMENTAL AND EPILEPTIC ENCEPHALOPATHY 42A; EPILEPTIC ENCEPHALOPATHY, EARLY INFANTILE, 42A. Identifiers: MedGen C4310716, MONDO:0014917, OMIM 617106.
Episodic ataxia type 2 (EA2). Also called: CEREBELLAR ATAXIA, PAROXYSMAL, ACETAZOLAMIDE-RESPONSIVE; CEREBELLOPATHY, HEREDITARY PAROXYSMAL; EPISODIC ATAXIA, NYSTAGMUS-ASSOCIATED; ATAXIA, EPISODIC, WITH NYSTAGMUS; ATAXIA, FAMILIAL PAROXYSMAL; ACETAZOLAMIDE-RESPONSIVE HEREDITARY PAROXYSMAL CEREBELLAR ATAXIA. Identifiers: Orphanet 97, MedGen C1720416, MONDO:0007163, OMIM 108500.

Allele frequency attached by ClinVar (database versions not stated): gnomAD 0.00001; gnomAD exomes 0.00001; TOPMed 0.00002; ExAC 0.00003.
gnomAD v4.1: 19 of 1,613,650 alleles (0.0012%); highest among the groups gnomAD compares: Middle Eastern, 0.033%; no homozygotes.

Submissions (4):

Labcorp Genetics (formerly Invitae), Labcorp
Classification: Likely benign for Developmental and epileptic encephalopathy, 42; Episodic ataxia type 2. Last evaluated: 2025-12-01. Review status: criteria provided, single submitter. Criteria: Invitae Variant Classification Sherloc (09022015). Collection method: clinical testing. Allele origin: germline.

Women's Health and Genetics/Laboratory Corporation of America, LabCorp
Classification: Likely benign. Last evaluated: 2025-05-29. Review status: criteria provided, single submitter. Criteria: LabCorp Variant Classification Summary - May 2015. Collection method: clinical testing. Allele origin: germline.
Comment: Variant summary: CACNA1A c.3236C>T (p.Ser1079Leu) results in a non-conservative amino acid change in the encoded protein sequence. Algorithms developed to predict the effect of missense changes on protein structure and function are either unavailable or do not agree on the potential impact of this missense change. The variant allele was found at a frequency of 1.2e-05 in 1613650 control chromosomes (gnomAD). c.3236C>T has been observed in an individual affected with epilepsy who was compound heterozygous with another variant (Li_2022). This report does not provide unequivocal conclusions about association of the variant with Epileptic Encephalopathy, Early Infantile, 42. To our knowledge, no experimental evidence demonstrating an impact on protein function has been reported. The following publication has been ascertained in the context of this evaluation (PMID: 35600082). ClinVar contains an entry for this variant (Variation ID: 651845). Based on the evidence outlined above, the variant was classified as likely benign.

Revvity Omics, Revvity
Classification: Uncertain significance. Last evaluated: 2022-05-10. Review status: criteria provided, single submitter. Criteria: ACMG Guidelines, 2015. Collection method: clinical testing. Allele origin: germline.

Mayo Clinic Laboratories, Mayo Clinic
Classification: Uncertain significance. Last evaluated: 2019-05-06. Review status: criteria provided, single submitter. Criteria: ACMG Guidelines, 2015. Collection method: clinical testing. Allele origin: germline. Observed: 1 variant allele.

Literature cited by the submitters: PubMed 35600082 (cited by Women's Health and Genetics/Laboratory Corporation of America, LabCorp).

NM_001127222.2(CACNA1A):c.3233C>T (p.Ser1078Leu)

Gene: CACNA1A (calcium voltage-gated channel subunit alpha1 A; minus strand). Cytogenetic location: 19p13.13.
Variant type: single nucleotide variant.
Coding change: c.3233C>T on transcript NM_001127222.2 (MANE Select); coding-DNA position 3233, C replaced by T.
Protein change: p.Ser1078Leu; replaces serine 1078 with leucine.
Molecular consequence: missense variant.
Genome position (GRCh38, 1-based): chr19:13,286,823, G>A on the plus strand (C>T on the coding strand, the complement: CACNA1A is on the minus strand). VCF-style: chr19-13286823-G-A. GRCh37 (hg19) VCF-style: chr19-13397637-G-A.
Other names: c.3245C>T, p.Ser1082Leu (NM_000068.4, NM_023035.3); c.3236C>T, p.Ser1079Leu (NM_001127221.2, NM_001174080.2); short protein forms S1082L, S1078L, S1079L.
Identifiers: ClinVar variation 651845 (VCV000651845.17), dbSNP rs748935741, ClinGen allele CA9240382.
Genomic context (GRCh38, chr19:13,286,823, plus strand): 5'-CCCATCTTGGCTGGGCTCTGGGGCAGGCCGGCGTGGCCAAGGCTGCCGTGGGGAGCGGCC[G>A]ACTCCGCGGTGGCCAGCTTGTTGTTCTTCATGTTGTCAATATCCTCTGCCAGGGGTGGGT-3'
Protein context (NP_001120694.1, residues 1068-1088): MKNNKLATAE[Ser1078Leu]AAPHGSLGHA